The following is an entry in ClinVar:

NM_006939.4(SOS2):c.1068+17_1068+18del

Gene: SOS2 (SOS Ras/Rho guanine nucleotide exchange factor 2; minus strand). Cytogenetic location: 14q21.3.
Variant type: Deletion.
Coding change: c.1068+17_1068+18del on transcript NM_006939.4 (MANE Select); bases 17 to 18 of the intron after coding-DNA position 1068, 2 bases deleted (GA; older notation c.1068+17_1068+18delGA).
Molecular consequence: intron variant.
Genome position (GRCh38, 1-based): chr14:50,174,436-50,174,437, TC deleted on the plus strand (GA on the coding strand, the reverse complement: SOS2 is on the minus strand); deleting any 2 consecutive bases within chr14:50,174,436-50,174,438 gives the same sequence; the c. name uses the placement nearest the transcript's 3' end. VCF-style (leftmost placement, unchanged base first): chr14-50174435-TTC-T. GRCh37 (hg19) VCF-style: chr14-50641153-TTC-T.
Other names: c.1068+17_1068+18delGA (NM_006939.4).
Identifiers: ClinVar variation 1723430 (VCV001723430.4), dbSNP rs772188710, ClinGen allele CA7177360.

ClinVar aggregate classification (germline): Likely benign. Review status: criteria provided, multiple submitters, no conflicts (2 of 4 stars). 2 submissions from 2 submitters: Likely benign (2). Last evaluated 2024-12-23.

Conditions:
Noonan syndrome 9 (NS9). Identifiers: Orphanet 648, MedGen C4225282, MONDO:0014691, OMIM 616559.

Submissions (2):

Women's Health and Genetics/Laboratory Corporation of America, LabCorp
Classification: Likely benign. Last evaluated: 2024-12-23. Review status: criteria provided, single submitter. Criteria: LabCorp Variant Classification Summary - May 2015. Collection method: clinical testing. Allele origin: germline.
Comment: Variant summary: SOS2 c.1068+17_1068+18delGA alters non-conserved nucleotides located at a position not widely known to affect splicing. Consensus agreement among computation tools predict no significant impact on normal splicing. However, these predictions have yet to be confirmed by functional studies. The variant allele was found at a frequency of 4.3e-06 in 231602 control chromosomes. The available data on variant occurrences in the general population are insufficient to allow any conclusion about variant significance. To our knowledge, no occurrence of c.1068+17_1068+18delGA in individuals affected with Noonan Syndrome and no experimental evidence demonstrating its impact on protein function have been reported. ClinVar contains an entry for this variant (Variation ID: 1723430). Based on the evidence outlined above, the variant was classified as likely benign.

Labcorp Genetics (formerly Invitae), Labcorp
Classification: Likely benign for Noonan syndrome 9. Last evaluated: 2024-09-16. Review status: criteria provided, single submitter. Criteria: Invitae Variant Classification Sherloc (09022015). Collection method: clinical testing. Allele origin: germline.